The following is an entry in ClinVar:

NM_004369.4(COL6A3):c.3549C>G (p.Asp1183Glu)

Gene: COL6A3 (collagen type VI alpha 3 chain; minus strand). Cytogenetic location: 2q37.3.
Variant type: single nucleotide variant.
Coding change: c.3549C>G on transcript NM_004369.4 (MANE Select); coding-DNA position 3549, C replaced by G.
Protein change: p.Asp1183Glu; replaces aspartic acid 1183 with glutamic acid.
Molecular consequence: missense variant.
Genome position (GRCh38, 1-based): chr2:237,374,542, G>C on the plus strand (C>G on the coding strand, the complement: COL6A3 is on the minus strand). VCF-style: chr2-237374542-G-C. GRCh37 (hg19) VCF-style: chr2-238283185-G-C.
Other names: c.2328C>G, p.Asp776Glu (NM_057164.5); c.2931C>G, p.Asp977Glu (NM_057165.5, NM_057167.4); c.1728C>G, p.Asp576Glu (NM_057166.5); short protein forms D1183E, D576E, D776E, D977E.
Identifiers: ClinVar variation 425261 (VCV000425261.39), dbSNP rs762240306, ClinGen allele CA2189146.

ClinVar aggregate classification (germline): Conflicting classifications of pathogenicity. Review status: criteria provided, conflicting classifications (1 of 4 stars). 7 submissions from 7 submitters: Uncertain significance (5); Likely benign (2). Last evaluated 2025-10-22.

Conditions:
Inborn genetic diseases. Identifiers: MedGen C0950123, MeSH D030342.
Bethlem myopathy 1A. Also called: Bethlem myopathy 1; Bethlem Muscular Dystrophy; MYOPATHY, BENIGN CONGENITAL, WITH CONTRACTURES. Identifiers: Orphanet 610, MedGen CN029274, MONDO:0024530, OMIM 158810.

Allele frequency attached by ClinVar (database versions not stated): gnomAD 0.00001; gnomAD exomes 0.00001; ExAC 0.00002; TOPMed 0.00002.
gnomAD v4.1: 28 of 1,614,114 alleles (0.0017%); highest among the groups gnomAD compares: Middle Eastern, 0.033%; no homozygotes.

Submissions (7):

Labcorp Genetics (formerly Invitae), Labcorp
Classification: Likely benign for Bethlem myopathy 1A. Last evaluated: 2025-10-22. Review status: criteria provided, single submitter. Criteria: Invitae Variant Classification Sherloc (09022015). Collection method: clinical testing. Allele origin: germline.

Revvity Omics, Revvity
Classification: Uncertain significance. Last evaluated: 2025-07-23. Review status: criteria provided, single submitter. Criteria: ACMG Guidelines, 2015. Collection method: clinical testing. Allele origin: germline.

Ambry Genetics
Classification: Uncertain significance for Inborn genetic diseases. Last evaluated: 2024-09-25. Review status: criteria provided, single submitter. Criteria: Ambry Variant Classification Scheme 2023. Collection method: clinical testing. Allele origin: germline.

Blueprint Genetics
Classification: Likely benign. Last evaluated: 2024-09-23. Review status: criteria provided, single submitter. Criteria: ACMG Guidelines, 2015. Collection method: clinical testing. Allele origin: germline.

CeGaT Center for Human Genetics Tuebingen
Classification: Uncertain significance. Last evaluated: 2023-11-01. Review status: criteria provided, single submitter. Criteria: CeGaT Center For Human Genetics Tuebingen Variant Classification Criteria Version 2. Collection method: clinical testing. Allele origin: germline. Affected: yes. Observed: 2 variant alleles.
Comment: COL6A3: PM2, BP4

GeneDx
Classification: Uncertain significance. Last evaluated: 2022-10-18. Review status: criteria provided, single submitter. Criteria: GeneDx Variant Classification Process June 2021. Collection method: clinical testing. Allele origin: germline. Affected: yes.
Comment: Not observed at significant frequency in large population cohorts (gnomAD); In silico analysis supports that this missense variant does not alter protein structure/function; Has not been previously published as pathogenic or benign to our knowledge

Breakthrough Genomics
Classification: Uncertain significance. Review status: criteria provided, single submitter. Criteria: ACMG Guidelines, 2015. Collection method: not provided. Allele origin: germline. Inheritance: Autosomal recessive inheritance. Affected: yes.